The following is an entry in ClinVar:

NM_000088.4(COL1A1):c.3863_3864del (p.Lys1288fs)

Gene: COL1A1 (collagen type I alpha 1 chain; minus strand). Cytogenetic location: 17q21.33.
Variant type: Deletion.
Coding change: c.3863_3864del on transcript NM_000088.4 (MANE Select); coding-DNA positions 3863 to 3864, 2 bases deleted (AA; older notation c.3863_3864delAA).
Protein change: p.Lys1288fs; shifts the reading frame from lysine 1288.
Molecular consequence: frameshift variant.
Genome position (GRCh38, 1-based): chr17:50,186,458-50,186,459, TT deleted on the plus strand (AA on the coding strand, the reverse complement: COL1A1 is on the minus strand); deleting any 2 consecutive bases within chr17:50,186,458-50,186,460 gives the same sequence; the c. name uses the placement nearest the transcript's 3' end. VCF-style (leftmost placement, unchanged base first): chr17-50186457-CTT-C. GRCh37 (hg19) VCF-style: chr17-48263818-CTT-C.
Other names: short protein forms K1288fs.
Identifiers: ClinVar variation 4718222 (VCV004718222.1).
Genomic context (GRCh38, chr17:50,186,457, plus strand): 5'-GGGCCACACTGGGCTGAGTGGGGTACACGCAGGTCTCACCAGTCTCCATGTTGCAGAAGA[CTT>C]TGATGGCATCCAGGTTGCAGCCTTGGTTGGGGTCAATCCAGTACTCTCCTGTGGTAGGGC-3'

ClinVar aggregate classification (germline): Pathogenic (1 of 4 stars; one submission).

Conditions:
Osteogenesis imperfecta type I (OI1). Also called: Lobstein disease; Classic Non-deforming Osteogenesis Imperfecta with Blue Sclerae; OI, TYPE I; OSTEOGENESIS IMPERFECTA TARDA; OSTEOGENESIS IMPERFECTA WITH BLUE SCLERAE; Osteogenesis imperfecta type 1. Identifiers: Orphanet 216796, Orphanet 666, MedGen C0023931, MONDO:0008146, OMIM 166200. Disease mechanism: loss of function.

Submission:

Labcorp Genetics (formerly Invitae), Labcorp
Classification: Pathogenic for Osteogenesis imperfecta type I. Last evaluated: 2025-04-23. Review status: criteria provided, single submitter. Criteria: Invitae Variant Classification Sherloc (09022015). Collection method: clinical testing. Allele origin: germline.
Comment: This sequence change creates a premature translational stop signal (p.Lys1288Serfs*9) in the COL1A1 gene. It is expected to result in an absent or disrupted protein product. Loss-of-function variants in COL1A1 are known to be pathogenic (PMID: 7942841, 9295084, 9443882). This variant is not present in population databases (gnomAD no frequency). This variant has not been reported in the literature in individuals affected with COL1A1-related conditions. For these reasons, this variant has been classified as Pathogenic.

Literature cited by the submitters: PubMed 7942841; PubMed 9295084; PubMed 9443882.